The following is an entry in ClinVar:

NM_022787.4(NMNAT1):c.439+5G>C

Gene: NMNAT1 (nicotinamide nucleotide adenylyltransferase 1; plus strand). Cytogenetic location: 1p36.22.
Variant type: single nucleotide variant.
Coding change: c.439+5G>C on transcript NM_022787.4 (MANE Select); 5 bases into the intron after coding-DNA position 439, G replaced by C.
Molecular consequence: intron variant.
Genome position (GRCh38, 1-based): chr1:9,981,175, G>C. VCF-style: chr1-9981175-G-C. GRCh37 (hg19) VCF-style: chr1-10041233-G-C.
Other names: c.439+5G>C (NM_001297778.1, NM_001297779.2).
Identifiers: ClinVar variation 4849865 (VCV004849865.1).
Genomic context (GRCh38, chr1:9,981,175, plus strand): 5'-GTGGACTGAAACACAAGATTCTAGTCAAAAGAAATCCCTAGAGCCAAAAACAAAAGGTTT[G>C]TATGTTTTAGCAGGACCCACGGACTAGAGTTGATAAGATTCTGTAGCTGAGCAAACCCCT-3'

ClinVar aggregate classification (germline): Uncertain significance (1 of 4 stars; one submission).

Conditions:
Spondyloepiphyseal dysplasia, sensorineural hearing loss, impaired intellectual development, and leber congenital amaurosis. Also called: SHILCA SYNDROME. Identifiers: Orphanet 611207, MedGen C5543257, MONDO:0031007, OMIM 619260.

gnomAD v4.1: 1 of 1,607,184 alleles (0.000062%); highest among the groups gnomAD compares: South Asian, 0.0011%; no homozygotes.

Submission:

Egypt Genome Project
Classification: Uncertain significance for Spondyloepiphyseal dysplasia, sensorineural hearing loss, impaired intellectual development, and leber congenital amaurosis. Last evaluated: 2026-02-01. Review status: criteria provided, single submitter. Criteria: ACMG Guidelines, 2015. Collection method: research. Allele origin: germline. Affected: yes.
Comment: The NM_001297778.1 c.439+5G>C is classified as Variant of uncertain significance based on the AMCG/AMP criteria (PM2, PM3-supporting, PP3)